The following is an entry in ClinVar:

ClinVar aggregate classification (germline): Pathogenic (1 of 4 stars; one submission).

Conditions:
Congenital myotonia, autosomal recessive form. Also called: BECKER DISEASE; Becker Generalized Myotonia; myotonia congenita, autosomal recessive. Identifiers: Orphanet 614, MedGen C0751360, MONDO:0009715, OMIM 255700.
Congenital myotonia, autosomal dominant form (THD). Also called: THOMSEN DISEASE; Myotonia congenita autosomal dominant. Identifiers: Orphanet 614, MedGen C2936781, MONDO:0008055, OMIM 160800.

Submission:

Labcorp Genetics (formerly Invitae), Labcorp
Classification: Pathogenic for Congenital myotonia, autosomal recessive form; Congenital myotonia, autosomal dominant form. Last evaluated: 2023-02-11. Review status: criteria provided, single submitter. Criteria: Invitae Variant Classification Sherloc (09022015). Collection method: clinical testing. Allele origin: unknown.
Comment: This variant is a gross deletion of the genomic region encompassing exon(s) 1 of the CLCN1 gene, which includes the initiator codon. This deletion extends beyond the assayed region for this gene and therefore may encompass additional genes. It is expected to result in an absent or disrupted protein product. Loss-of-function variants in CLCN1 are known to be pathogenic (PMID: 17932099, 22094069, 23739125). This variant has not been reported in the literature in individuals affected with CLCN1-related conditions. For these reasons, this variant has been classified as Pathogenic.

Literature cited by the submitters: PubMed 17932099; PubMed 22094069; PubMed 23739125.

NC_000007.13:g.(?_143013306)_(143013505_?)del

Gene: CLCN1 (chloride voltage-gated channel 1; plus strand). Cytogenetic location: 7q34.
Variant type: Deletion.
Identifiers: ClinVar variation 3245727 (VCV003245727.1).